The following is an entry in ClinVar:

NM_000321.3(RB1):c.466G>T (p.Asp156Tyr)

Gene: RB1 (RB transcriptional corepressor 1; plus strand). Cytogenetic location: 13q14.2.
Variant type: single nucleotide variant.
Coding change: c.466G>T on transcript NM_000321.3 (MANE Select); coding-DNA position 466, G replaced by T.
Protein change: p.Asp156Tyr; replaces aspartic acid 156 with tyrosine.
Molecular consequence: missense variant.
Genome position (GRCh38, 1-based): chr13:48,345,165, G>T. VCF-style: chr13-48345165-G-T. GRCh37 (hg19) VCF-style: chr13-48919301-G-T.
Other names: short protein forms D156Y.
Identifiers: ClinVar variation 954051 (VCV000954051.12), dbSNP rs1034616967, ClinGen allele CA249846378.

ClinVar aggregate classification (germline): Conflicting classifications of pathogenicity. Review status: criteria provided, conflicting classifications (1 of 4 stars). 3 submissions from 3 submitters: Uncertain significance (2); Likely benign (1). Last evaluated 2025-11-18.

Conditions:
Hereditary cancer-predisposing syndrome. Also called: Hereditary neoplastic syndrome; Tumor predisposition; Neoplastic Syndromes, Hereditary; Hereditary Cancer Syndrome. Identifiers: Orphanet 140162, MedGen C0027672, MeSH D009386, MONDO:0015356.
Retinoblastoma (RB1). Also called: RETINOBLASTOMA, SOMATIC. Identifiers: Orphanet 790, MedGen C0035335, MeSH D012175, MONDO:0008380, OMIM 180200, HP:0009919. Disease mechanism: loss of function. Inheritance: Both sporadic and heritable forms are tested..

Allele frequency attached by ClinVar (database versions not stated): TOPMed below 0.00001; gnomAD exomes 0.00002.
gnomAD v4.1: 28 of 1,612,742 alleles (0.0017%); highest among the groups gnomAD compares: Non-Finnish European, 0.0023%; no homozygotes.

Submissions (3):

Labcorp Genetics (formerly Invitae), Labcorp
Classification: Likely benign for Retinoblastoma. Last evaluated: 2025-11-18. Review status: criteria provided, single submitter. Criteria: Invitae Variant Classification Sherloc (09022015). Collection method: clinical testing. Allele origin: germline.

GeneDx
Classification: Uncertain significance. Last evaluated: 2025-03-05. Review status: criteria provided, single submitter. Criteria: GeneDx Variant Classification Process June 2021. Collection method: clinical testing. Allele origin: germline. Affected: yes.
Comment: Not observed at significant frequency in large population cohorts (gnomAD); In silico analysis supports that this missense variant has a deleterious effect on protein structure/function; Has not been previously published as pathogenic or benign to our knowledge; This variant is associated with the following publications: (PMID: 23516486)

Ambry Genetics
Classification: Uncertain significance for Hereditary cancer-predisposing syndrome. Last evaluated: 2024-06-18. Review status: criteria provided, single submitter. Criteria: Ambry Variant Classification Scheme 2023. Collection method: clinical testing. Allele origin: germline.
Comment: The p.D156Y variant (also known as c.466G>T), located in coding exon 4 of the RB1 gene, results from a G to T substitution at nucleotide position 466. The aspartic acid at codon 156 is replaced by tyrosine, an amino acid with highly dissimilar properties. This amino acid position is poorly conserved in available vertebrate species. In addition, this alteration is predicted to be tolerated by in silico analysis. Since supporting evidence is limited at this time, the clinical significance of this alteration remains unclear.